The following is an entry in ClinVar:

NM_006206.6(PDGFRA):c.1126C>T (p.Arg376Ter)

Gene: PDGFRA (platelet derived growth factor receptor alpha; plus strand). Cytogenetic location: 4q12.
Variant type: single nucleotide variant.
Coding change: c.1126C>T on transcript NM_006206.6 (MANE Select); coding-DNA position 1126, C replaced by T.
Protein change: p.Arg376Ter; replaces arginine 376 with a stop codon.
Molecular consequence: nonsense.
Genome position (GRCh38, 1-based): chr4:54,270,637, C>T. VCF-style: chr4-54270637-C-T. GRCh37 (hg19) VCF-style: chr4-55136804-C-T.
Other names: c.1126C>T, p.Arg376Ter (NM_001347827.2, NM_001347829.2); c.1201C>T, p.Arg401Ter (NM_001347828.2); c.1165C>T, p.Arg389Ter (NM_001347830.2); short protein forms R389*, R376*, R401*.
Identifiers: ClinVar variation 963482 (VCV000963482.9), dbSNP rs1577719401, ClinGen allele CA356891872.

ClinVar aggregate classification (germline): Uncertain significance. Review status: criteria provided, multiple submitters, no conflicts (2 of 4 stars). 2 submissions from 2 submitters: Uncertain significance (2). Last evaluated 2025-10-26.

Conditions:
Gastrointestinal stromal tumor. Also called: Gastrointestinal stromal tumor, somatic; Gastrointestinal stroma tumor. Identifiers: Orphanet 44890, MedGen C0238198, MeSH D046152, MONDO:0011719, OMIM 606764, HP:0100723.
Hereditary cancer-predisposing syndrome. Also called: Hereditary neoplastic syndrome; Neoplastic Syndromes, Hereditary; Hereditary Cancer Syndrome; Tumor predisposition. Identifiers: Orphanet 140162, MedGen C0027672, MeSH D009386, MONDO:0015356.

Allele frequency attached by ClinVar (database versions not stated): gnomAD 0.00001.

Submissions (2):

Labcorp Genetics (formerly Invitae), Labcorp
Classification: Uncertain significance for Gastrointestinal stromal tumor. Last evaluated: 2025-10-26. Review status: criteria provided, single submitter. Criteria: Invitae Variant Classification Sherloc (09022015). Collection method: clinical testing. Allele origin: germline.
Comment: This sequence change creates a premature translational stop signal (p.Arg376*) in the PDGFRA gene. It is expected to result in an absent or disrupted protein product. However, the current clinical and genetic evidence is not sufficient to establish whether loss-of-function variants in PDGFRA cause disease. This variant is not present in population databases (gnomAD no frequency). This variant has not been reported in the literature in individuals affected with PDGFRA-related conditions. ClinVar contains an entry for this variant (Variation ID: 963482). In summary, the available evidence is currently insufficient to determine the role of this variant in disease. Therefore, it has been classified as a Variant of Uncertain Significance.

Ambry Genetics
Classification: Uncertain significance for Hereditary cancer-predisposing syndrome. Last evaluated: 2025-03-03. Review status: criteria provided, single submitter. Criteria: Ambry Variant Classification Scheme 2023. Collection method: clinical testing. Allele origin: germline.
Comment: The p.R376* variant (also known as c.1126C>T), located in coding exon 7 of the PDGFRA gene, results from a C to T substitution at nucleotide position 1126. This changes the amino acid from an arginine to a stop codon within coding exon 7. This alteration is expected to result in loss of function by premature protein truncation or nonsense-mediated mRNA decay. However, loss of function of PDGFRA has not been established as a mechanism of disease. Based on the available evidence, the clinical significance of this alteration remains unclear.